The following is an entry in ClinVar:

NM_020988.3(GNAO1):c.187G>A (p.Gly63Arg)

Gene: GNAO1 (G protein subunit alpha o1; plus strand). Cytogenetic location: 16q13.
Variant type: single nucleotide variant.
Coding change: c.187G>A on transcript NM_020988.3 (MANE Select); coding-DNA position 187, G replaced by A.
Protein change: p.Gly63Arg; replaces glycine 63 with arginine.
Molecular consequence: missense variant.
Genome position (GRCh38, 1-based): chr16:56,275,956, G>A. VCF-style: chr16-56275956-G-A. GRCh37 (hg19) VCF-style: chr16-56309868-G-A.
Other names: c.187G>A, p.Gly63Arg (NM_138736.3); short protein forms G63R.
Identifiers: ClinVar variation 530473 (VCV000530473.25), dbSNP rs940833242, ClinGen allele CA282116260.

ClinVar aggregate classification (germline): Uncertain significance. Review status: criteria provided, multiple submitters, no conflicts (2 of 4 stars). 3 submissions from 3 submitters: Uncertain significance (3). Last evaluated 2024-09-04.

Conditions:
Early-infantile DEE. Also called: Early infantile epileptic encephalopathy; Ohtahara syndrome; Early infantile epileptic encephalopathy with suppression bursts. Identifiers: Orphanet 1934, MedGen C0393706, MONDO:0800491.

Allele frequency attached by ClinVar (database versions not stated): gnomAD 0.00001; gnomAD exomes 0.00001 and 0.00002; TOPMed 0.00002.
gnomAD v4.1: 26 of 1,613,546 alleles (0.0016%); highest among the groups gnomAD compares: Non-Finnish European, 0.0021%; no homozygotes.

Submissions (3):

Labcorp Genetics (formerly Invitae), Labcorp
Classification: Uncertain significance for Early-infantile DEE. Last evaluated: 2024-09-04. Review status: criteria provided, single submitter. Criteria: Invitae Variant Classification Sherloc (09022015). Collection method: clinical testing. Allele origin: germline.
Comment: This sequence change replaces glycine, which is neutral and non-polar, with arginine, which is basic and polar, at codon 63 of the GNAO1 protein (p.Gly63Arg). This variant is present in population databases (no rsID available, gnomAD 0.002%). This variant has not been reported in the literature in individuals affected with GNAO1-related conditions. ClinVar contains an entry for this variant (Variation ID: 530473). Invitae Evidence Modeling of protein sequence and biophysical properties (such as structural, functional, and spatial information, amino acid conservation, physicochemical variation, residue mobility, and thermodynamic stability) indicates that this missense variant is not expected to disrupt GNAO1 protein function with a negative predictive value of 95%. In summary, the available evidence is currently insufficient to determine the role of this variant in disease. Therefore, it has been classified as a Variant of Uncertain Significance.

CeGaT Center for Human Genetics Tuebingen
Classification: Uncertain significance. Last evaluated: 2024-09-01. Review status: criteria provided, single submitter. Criteria: CeGaT Center For Human Genetics Tuebingen Variant Classification Criteria Version 2. Collection method: clinical testing. Allele origin: germline. Affected: yes. Observed: 1 variant allele.
Comment: GNAO1: PP2

Blueprint Genetics
Classification: Uncertain significance. Last evaluated: 2021-11-11. Review status: criteria provided, single submitter. Criteria: ACMG Guidelines, 2015. Collection method: clinical testing. Allele origin: germline.